The following is an entry in ClinVar:

ClinVar aggregate classification (germline): Uncertain significance (1 of 4 stars; one submission).

Submission:

Labcorp Genetics (formerly Invitae), Labcorp
Classification: Uncertain significance. Last evaluated: 2023-10-18. Review status: criteria provided, single submitter. Criteria: Invitae Variant Classification Sherloc (09022015). Collection method: clinical testing. Allele origin: germline.
Comment: This sequence change replaces glycine, which is neutral and non-polar, with aspartic acid, which is acidic and polar, at codon 1244 of the ALPK3 protein (p.Gly1244Asp). This variant is not present in population databases (gnomAD no frequency). This variant has not been reported in the literature in individuals affected with ALPK3-related conditions. An algorithm developed to predict the effect of missense changes on protein structure and function (PolyPhen-2) suggests that this variant is likely to be disruptive. In summary, the available evidence is currently insufficient to determine the role of this variant in disease. Therefore, it has been classified as a Variant of Uncertain Significance.

NM_020778.5(ALPK3):c.3125G>A (p.Gly1042Asp)

Gene: ALPK3 (alpha kinase 3; plus strand). Cytogenetic location: 15q25.3.
Variant type: single nucleotide variant.
Coding change: c.3125G>A on transcript NM_020778.5 (MANE Select); coding-DNA position 3125, G replaced by A.
Protein change: p.Gly1042Asp; replaces glycine 1042 with aspartic acid.
Molecular consequence: missense variant.
Genome position (GRCh38, 1-based): chr15:84,857,863, G>A. VCF-style: chr15-84857863-G-A. GRCh37 (hg19) VCF-style: chr15-85401094-G-A.
Other names: short protein forms G1042D.
Identifiers: ClinVar variation 2769806 (VCV002769806.3), dbSNP rs2505721345, ClinGen allele CA393359647.